The following is an entry in ClinVar:

ClinVar aggregate classification (germline): Uncertain significance (1 of 4 stars; one submission).

Allele frequency attached by ClinVar (database versions not stated): TOPMed below 0.00001.

Submission:

Labcorp Genetics (formerly Invitae), Labcorp
Classification: Uncertain significance. Last evaluated: 2022-09-27. Review status: criteria provided, single submitter. Criteria: Invitae Variant Classification Sherloc (09022015). Collection method: clinical testing. Allele origin: germline.
Comment: Algorithms developed to predict the effect of sequence changes on RNA splicing suggest that this variant may disrupt the consensus splice site. Algorithms developed to predict the effect of missense changes on protein structure and function (SIFT, PolyPhen-2, Align-GVGD) all suggest that this variant is likely to be tolerated. This variant has not been reported in the literature in individuals affected with ERBIN-related conditions. This variant is not present in population databases (gnomAD no frequency). This sequence change replaces isoleucine, which is neutral and non-polar, with threonine, which is neutral and polar, at codon 439 of the ERBIN protein (p.Ile439Thr). In summary, the available evidence is currently insufficient to determine the role of this variant in disease. Therefore, it has been classified as a Variant of Uncertain Significance.

NM_001253697.2(ERBIN):c.1316T>C (p.Ile439Thr)

Gene: ERBIN (erbb2 interacting protein; plus strand). Cytogenetic location: 5q12.3.
Variant type: single nucleotide variant.
Coding change: c.1316T>C on transcript NM_001253697.2 (MANE Select); coding-DNA position 1316, T replaced by C.
Protein change: p.Ile439Thr; replaces isoleucine 439 with threonine.
Molecular consequence: missense variant.
Genome position (GRCh38, 1-based): chr5:66,043,086, T>C. VCF-style: chr5-66043086-T-C. GRCh37 (hg19) VCF-style: chr5-65338914-T-C.
Other names: c.1316T>C, p.Ile439Thr (NM_001006600.3, NM_001253698.2, NM_001253699.2 and 2 more transcripts); short protein forms I439T.
Identifiers: ClinVar variation 1970085 (VCV001970085.5), dbSNP rs1580443870, ClinGen allele CA359976188.